The following is an entry in ClinVar:

NM_000789.4(ACE):c.3740_3745dup (p.Leu1248_Asp1249insGlyLeu)

Gene: ACE (angiotensin I converting enzyme; plus strand). Cytogenetic location: 17q23.3.
Variant type: Duplication.
Coding change: c.3740_3745dup on transcript NM_000789.4 (MANE Select); coding-DNA positions 3740 to 3745, 6 bases duplicated (GCCTGG; older notation c.3740_3745dupGCCTGG).
Protein change: p.Leu1248_Asp1249insGlyLeu.
Molecular consequence: inframe insertion. On other transcripts: non-coding transcript variant (1).
Genome position (GRCh38, 1-based): chr17:63,497,185-63,497,190, GCCTGG duplicated; duplicating any 6 consecutive bases within chr17:63,497,180-63,497,190 gives the same sequence; the c. name uses the placement nearest the transcript's 3' end. VCF-style (leftmost placement, unchanged base first): chr17-63497179-T-TCCTGGG. GRCh37 (hg19) VCF-style: chr17-61574540-T-TCCTGGG.
Other names: c.1895_1900dup, p.Leu633_Asp634insGlyLeu (NM_001178057.2); c.3173_3178dup, p.Leu1059_Asp1060insGlyLeu (NM_001382700.1); c.2888_2893dup, p.Leu964_Asp965insGlyLeu (NM_001382701.1); c.1355_1360dup, p.Leu453_Asp454insGlyLeu (NM_001382702.1); c.2018_2023dup, p.Leu674_Asp675insGlyLeu (NM_152830.3).
Identifiers: ClinVar variation 4529789 (VCV004529789.1).
Genomic context (GRCh38, chr17:63,497,179, plus strand): 5'-TCCTTGCTTCCCGCTCAGCTCGCTCAGAAGGGCCCCTCCCAGACAGCGGCCGCGTCAGCT[T>TCCTGGG]CCTGGGCCTGGACCTGGATGCGCAGCAGGCCCGCGTGGGCCAGTGGCTGCTGCTCTTCCT-3'

ClinVar aggregate classification (germline): Uncertain significance (1 of 4 stars; one submission).

Submission:

GeneDx
Classification: Uncertain significance. Last evaluated: 2025-05-12. Review status: criteria provided, single submitter. Criteria: GeneDx Variant Classification Process June 2021. Collection method: clinical testing. Allele origin: germline. Affected: yes.
Comment: Not observed at significant frequency in large population cohorts (gnomAD); In-frame duplication of 2 amino acid(s) in a non-repeat region; Nucleotide is not conserved across species and the substitution has no predicted effect on splicing; Has not been previously published as pathogenic or benign to our knowledge